The following is an entry in ClinVar:

NM_004336.5(BUB1):c.1388A>G (p.His463Arg)

Gene: BUB1 (BUB1 mitotic checkpoint serine/threonine kinase; minus strand). Cytogenetic location: 2q13.
Variant type: single nucleotide variant.
Coding change: c.1388A>G on transcript NM_004336.5 (MANE Select); coding-DNA position 1388, A replaced by G.
Protein change: p.His463Arg; replaces histidine 463 with arginine.
Molecular consequence: missense variant.
Genome position (GRCh38, 1-based): chr2:110,658,631, T>C on the plus strand (A>G on the coding strand, the complement: BUB1 is on the minus strand). VCF-style: chr2-110658631-T-C. GRCh37 (hg19) VCF-style: chr2-111416208-T-C.
Other names: c.1328A>G, p.His443Arg (NM_001278616.2); c.1388A>G, p.His463Arg (NM_001278617.2); short protein forms H443R, H463R.
Identifiers: ClinVar variation 1771448 (VCV001771448.2), dbSNP rs1406103947, ClinGen allele CA348212538.
Genomic context (GRCh38, chr2:110,658,631, plus strand): 5'-TAACTTGTCATCAGGTGCTACACACTCAGATAAAATACTTTACCTAATGCTTCTTTTGTG[T>C]GCACGGTGGGTGATGGCTGCACTTTGGATGGCGTTGCCTGAACCATTCCCAGTGATGTGT-3'
Protein context (NP_004327.1, residues 453-473): PSKVQPSPTV[His463Arg]TKEALGFIMN

ClinVar aggregate classification (germline): Uncertain significance (1 of 4 stars; one submission).

Allele frequency attached by ClinVar (database versions not stated): gnomAD exomes below 0.00001.
gnomAD v4.1: 2 of 1,614,138 alleles (0.00012%); highest among the groups gnomAD compares: Non-Finnish European, 0.00017%; no homozygotes.

Submission:

Ambry Genetics
Classification: Uncertain significance. Last evaluated: 2024-01-07. Review status: criteria provided, single submitter. Criteria: Ambry Variant Classification Scheme 2023. Collection method: clinical testing. Allele origin: germline.
Comment: The p.H463R variant (also known as c.1388A>G), located in coding exon 12 of the BUB1 gene, results from an A to G substitution at nucleotide position 1388. The histidine at codon 463 is replaced by arginine, an amino acid with highly similar properties. This amino acid position is conserved. In addition, this alteration is predicted to be tolerated by in silico analysis. Since supporting evidence is limited at this time, the clinical significance of this alteration remains unclear.